The following is an entry in ClinVar:

NM_001042413.2(GLIS3):c.662C>G (p.Ser221Ter)

Gene: GLIS3 (GLIS family zinc finger 3; minus strand). Cytogenetic location: 9p24.2.
Variant type: single nucleotide variant.
Coding change: c.662C>G on transcript NM_001042413.2 (MANE Select); coding-DNA position 662, C replaced by G.
Protein change: p.Ser221Ter; replaces serine 221 with a stop codon.
Molecular consequence: nonsense.
Genome position (GRCh38, 1-based): chr9:4,118,816, G>C on the plus strand (C>G on the coding strand, the complement: GLIS3 is on the minus strand). VCF-style: chr9-4118816-G-C. GRCh37 (hg19) VCF-style: chr9-4118816-G-C.
Other names: c.197C>G, p.Ser66Ter (NM_152629.4); short protein forms S221*, S66*.
Identifiers: ClinVar variation 3694326 (VCV003694326.2).

ClinVar aggregate classification (germline): Pathogenic (1 of 4 stars; one submission).

Submission:

Labcorp Genetics (formerly Invitae), Labcorp
Classification: Pathogenic. Last evaluated: 2024-03-13. Review status: criteria provided, single submitter. Criteria: Invitae Variant Classification Sherloc (09022015). Collection method: clinical testing. Allele origin: germline.
Comment: This sequence change creates a premature translational stop signal (p.Ser66*) in the GLIS3 gene. It is expected to result in an absent or disrupted protein product. Loss-of-function variants in GLIS3 are known to be pathogenic (PMID: 16715098, 26259131). This variant is not present in population databases (gnomAD no frequency). This variant has not been reported in the literature in individuals affected with GLIS3-related conditions. For these reasons, this variant has been classified as Pathogenic.

Literature cited by the submitters: PubMed 16715098; PubMed 26259131.